The following is an entry in ClinVar:

NM_000395.3(CSF2RB):c.112G>A (p.Asp38Asn)

Gene: CSF2RB (colony stimulating factor 2 receptor subunit beta; plus strand). Cytogenetic location: 22q12.3.
Variant type: single nucleotide variant.
Coding change: c.112G>A on transcript NM_000395.3 (MANE Select); coding-DNA position 112, G replaced by A.
Protein change: p.Asp38Asn; replaces aspartic acid 38 with asparagine.
Molecular consequence: missense variant.
Genome position (GRCh38, 1-based): chr22:36,923,279, G>A. VCF-style: chr22-36923279-G-A. GRCh37 (hg19) VCF-style: chr22-37319321-G-A.
Other names: c.112G>A, p.Asp38Asn (NM_001410827.1); short protein forms D38N.
Identifiers: ClinVar variation 2177111 (VCV002177111.4), dbSNP rs778626873, ClinGen allele CA10213353.

ClinVar aggregate classification (germline): Uncertain significance (1 of 4 stars; one submission).

Allele frequency attached by ClinVar (database versions not stated): gnomAD exomes 0.00001.

Submission:

Labcorp Genetics (formerly Invitae), Labcorp
Classification: Uncertain significance. Last evaluated: 2025-10-26. Review status: criteria provided, single submitter. Criteria: Invitae Variant Classification Sherloc (09022015). Collection method: clinical testing. Allele origin: germline.
Comment: This sequence change replaces aspartic acid, which is acidic and polar, with asparagine, which is neutral and polar, at codon 38 of the CSF2RB protein (p.Asp38Asn). This variant is present in population databases (rs778626873, gnomAD 0.0009%). This variant has not been reported in the literature in individuals affected with CSF2RB-related conditions. ClinVar contains an entry for this variant (Variation ID: 2177111). Invitae Evidence Modeling of protein sequence and biophysical properties (such as structural, functional, and spatial information, amino acid conservation, physicochemical variation, residue mobility, and thermodynamic stability) indicates that this missense variant is not expected to disrupt CSF2RB protein function with a negative predictive value of 80%. In summary, the available evidence is currently insufficient to determine the role of this variant in disease. Therefore, it has been classified as a Variant of Uncertain Significance.